The following is an entry in ClinVar:

ClinVar aggregate classification (germline): Likely pathogenic (0 of 4 stars; one submission).

Conditions:
Developmental and epileptic encephalopathy, 39 (DEE39). Also called: DEVELOPMENTAL AND EPILEPTIC ENCEPHALOPATHY 39 WITH LEUKODYSTROPHY. Identifiers: Orphanet 353217, MedGen C2751855, MONDO:0013056, OMIM 612949.

Submission:

Institute of Medical Genetics and Genomics, Sir Ganga Ram Hospital
Classification: Likely pathogenic for Developmental and epileptic encephalopathy, 39. Last evaluated: 2022-02-15. Review status: no assertion criteria provided. Collection method: clinical testing. Allele origin: germline. Inheritance: Autosomal recessive inheritance. Affected: yes. Observed: 1 homozygote.

NM_003705.5(SLC25A12):c.410T>C (p.Phe137Ser)

Gene: SLC25A12 (solute carrier family 25 member 12; minus strand). Cytogenetic location: 2q31.1.
Variant type: single nucleotide variant.
Coding change: c.410T>C on transcript NM_003705.5 (MANE Select); coding-DNA position 410, T replaced by C.
Protein change: p.Phe137Ser; replaces phenylalanine 137 with serine.
Molecular consequence: missense variant. On other transcripts: non-coding transcript variant (1).
Genome position (GRCh38, 1-based): chr2:171,844,424, A>G on the plus strand (T>C on the coding strand, the complement: SLC25A12 is on the minus strand). VCF-style: chr2-171844424-A-G. GRCh37 (hg19) VCF-style: chr2-172700934-A-G.
Other names: short protein forms F137S.
Identifiers: ClinVar variation 1341560 (VCV001341560.3), dbSNP rs2105895501, ClinGen allele CA349625731.
Genomic context (GRCh38, chr2:171,844,424, plus strand): 5'-CTCACCTGGAGAAACTGCGTGAATTCTGTGTAGTTAAGATGCTTCTTCCGGTTATGCCCA[A>G]AATGCAGTCGGATAAATTCACAATCCCAGTTAAAAGGGATATGATGATGAATAATAGTCT-3'
Protein context (NP_003696.2, residues 127-147): NWDCEFIRLH[Phe137Ser]GHNRKKHLNY